The following is an entry in ClinVar:

NM_031935.3(HMCN1):c.16094C>T (p.Thr5365Ile)

Gene: HMCN1 (hemicentin 1; plus strand). Cytogenetic location: 1q31.1.
Variant type: single nucleotide variant.
Coding change: c.16094C>T on transcript NM_031935.3 (MANE Select); coding-DNA position 16094, C replaced by T.
Protein change: p.Thr5365Ile; replaces threonine 5365 with isoleucine.
Molecular consequence: missense variant.
Genome position (GRCh38, 1-based): chr1:186,178,566, C>T. VCF-style: chr1-186178566-C-T. GRCh37 (hg19) VCF-style: chr1-186147698-C-T.
Other names: short protein forms T5365I.
Identifiers: ClinVar variation 2866276 (VCV002866276.3), dbSNP rs2528262618, ClinGen allele CA343938138.

ClinVar aggregate classification (germline): Uncertain significance (1 of 4 stars; one submission).

Submission:

Labcorp Genetics (formerly Invitae), Labcorp
Classification: Uncertain significance. Last evaluated: 2023-05-20. Review status: criteria provided, single submitter. Criteria: Invitae Variant Classification Sherloc (09022015). Collection method: clinical testing. Allele origin: germline.
Comment: This variant has not been reported in the literature in individuals affected with HMCN1-related conditions. This sequence change replaces threonine, which is neutral and polar, with isoleucine, which is neutral and non-polar, at codon 5365 of the HMCN1 protein (p.Thr5365Ile). This variant is not present in population databases (gnomAD no frequency). An algorithm developed to predict the effect of missense changes on protein structure and function (PolyPhen-2) suggests that this variant is likely to be tolerated. In summary, the available evidence is currently insufficient to determine the role of this variant in disease. Therefore, it has been classified as a Variant of Uncertain Significance.